The following is an entry in ClinVar:

ClinVar aggregate classification (germline): Uncertain significance (1 of 4 stars; one submission).

Submission:

GeneDx
Classification: Uncertain significance. Last evaluated: 2023-04-17. Review status: criteria provided, single submitter. Criteria: GeneDx Variant Classification Process June 2021. Collection method: clinical testing. Allele origin: germline. Affected: yes.
Comment: Not observed at significant frequency in large population cohorts (gnomAD); Missense variants in this gene are often considered pathogenic (HGMD); In silico analysis supports that this missense variant has a deleterious effect on protein structure/function; Has not been previously published as pathogenic or benign to our knowledge; This substitution is predicted to be within the C-terminal cytoplasmic domain

NM_001330260.2(SCN8A):c.5325A>T (p.Glu1775Asp)

Gene: SCN8A (sodium voltage-gated channel alpha subunit 8; plus strand). Cytogenetic location: 12q13.13.
Variant type: single nucleotide variant.
Coding change: c.5325A>T on transcript NM_001330260.2 (MANE Select); coding-DNA position 5325, A replaced by T.
Protein change: p.Glu1775Asp; replaces glutamic acid 1775 with aspartic acid.
Molecular consequence: missense variant.
Genome position (GRCh38, 1-based): chr12:51,806,811, A>T. VCF-style: chr12-51806811-A-T. GRCh37 (hg19) VCF-style: chr12-52200595-A-T.
Other names: c.5202A>T, p.Glu1734Asp (NM_001177984.3, NM_001369788.1); c.5325A>T, p.Glu1775Asp (NM_014191.4); short protein forms E1734D, E1775D.
Identifiers: ClinVar variation 3253060 (VCV003253060.1), dbSNP rs2540334773.